The following is an entry in ClinVar:

ClinVar aggregate classification (germline): Likely benign. Review status: criteria provided, multiple submitters, no conflicts (2 of 4 stars). 3 submissions from 3 submitters: Likely benign (2). 1 of the submissions does not count toward it. Last evaluated 2026-01-24.

Conditions:
ALG9 congenital disorder of glycosylation (CDG1L). Also called: CDG Il; CONGENITAL DISORDER OF GLYCOSYLATION, TYPE Il; ALG9-CDG. Identifiers: Orphanet 79328, MedGen C2931006, MONDO:0012117, OMIM 608776.
ATP6V0A2-related disorder. Also called: ATP6V0A2-related condition.

Allele frequency attached by ClinVar (database versions not stated): gnomAD exomes 0.00001; ExAC 0.00002; gnomAD 0.00008; TOPMed 0.00008; ESP Exome Variant Server 0.00015.
gnomAD v4.1: 26 of 1,614,052 alleles (0.0016%); highest among the groups gnomAD compares: African/African-American, 0.028%; no homozygotes.

Submissions (3):

Labcorp Genetics (formerly Invitae), Labcorp
Classification: Likely benign for ALG9 congenital disorder of glycosylation. Last evaluated: 2026-01-24. Review status: criteria provided, single submitter. Criteria: Invitae Variant Classification Sherloc (09022015). Collection method: clinical testing. Allele origin: germline.

Blueprint Genetics
Classification: Likely benign. Last evaluated: 2021-08-18. Review status: criteria provided, single submitter. Criteria: ACMG Guidelines, 2015. Collection method: clinical testing. Allele origin: germline.

PreventionGenetics, part of Exact Sciences
Classification: Likely benign for ATP6V0A2-related condition. Last evaluated: 2019-04-22. Review status: no assertion criteria provided. Collection method: clinical testing. Allele origin: germline. Not counted in ClinVar's aggregate classification.
Comment: This variant is classified as likely benign based on ACMG/AMP sequence variant interpretation guidelines (Richards et al. 2015 PMID: 25741868, with internal and published modifications).

NM_012463.4(ATP6V0A2):c.2151A>T (p.Gly717=)

Gene: ATP6V0A2 (ATPase H+ transporting V0 subunit a2; plus strand). Cytogenetic location: 12q24.31.
Variant type: single nucleotide variant.
Coding change: c.2151A>T on transcript NM_012463.4 (MANE Select); coding-DNA position 2151, A replaced by T.
Protein change: p.Gly717=; no amino-acid change (glycine 717 retained).
Molecular consequence: synonymous variant.
Genome position (GRCh38, 1-based): chr12:123,752,378, A>T. VCF-style: chr12-123752378-A-T. GRCh37 (hg19) VCF-style: chr12-124236925-A-T.
Other names: c.2151A>T (NM_012463.3).
Identifiers: ClinVar variation 2418072 (VCV002418072.8), dbSNP rs138276982, ClinGen allele CA6862144.